The following is an entry in ClinVar:

NM_006946.4(SPTBN2):c.4330G>A (p.Ala1444Thr)

Gene: SPTBN2 (spectrin beta, non-erythrocytic 2; minus strand). Cytogenetic location: 11q13.2.
Variant type: single nucleotide variant.
Coding change: c.4330G>A on transcript NM_006946.4 (MANE Select); coding-DNA position 4330, G replaced by A.
Protein change: p.Ala1444Thr; replaces alanine 1444 with threonine.
Molecular consequence: missense variant.
Genome position (GRCh38, 1-based): chr11:66,694,312, C>T on the plus strand (G>A on the coding strand, the complement: SPTBN2 is on the minus strand). VCF-style: chr11-66694312-C-T. GRCh37 (hg19) VCF-style: chr11-66461783-C-T.
Other names: short protein forms A1444T.
Identifiers: ClinVar variation 305556 (VCV000305556.8), dbSNP rs765561071, ClinGen allele CA6128611.

ClinVar aggregate classification (germline): Uncertain significance (1 of 4 stars; one submission).

Allele frequency attached by ClinVar (database versions not stated): TOPMed below 0.00001; gnomAD exomes 0.00001 and 0.00002; ExAC 0.00004.
gnomAD v4.1: 9 of 1,614,242 alleles (0.00056%); highest among the groups gnomAD compares: Admixed American, 0.012%; no homozygotes.

Submission:

Labcorp Genetics (formerly Invitae), Labcorp
Classification: Uncertain significance. Last evaluated: 2023-09-05. Review status: criteria provided, single submitter. Criteria: Invitae Variant Classification Sherloc (09022015). Collection method: clinical testing. Allele origin: germline.
Comment: In summary, the available evidence is currently insufficient to determine the role of this variant in disease. Therefore, it has been classified as a Variant of Uncertain Significance. Advanced modeling of protein sequence and biophysical properties (such as structural, functional, and spatial information, amino acid conservation, physicochemical variation, residue mobility, and thermodynamic stability) performed at Invitae indicates that this missense variant is not expected to disrupt SPTBN2 protein function. ClinVar contains an entry for this variant (Variation ID: 305556). This variant has not been reported in the literature in individuals affected with SPTBN2-related conditions. This variant is present in population databases (rs765561071, gnomAD 0.01%). This sequence change replaces alanine, which is neutral and non-polar, with threonine, which is neutral and polar, at codon 1444 of the SPTBN2 protein (p.Ala1444Thr).